The following is an entry in ClinVar:

ClinVar aggregate classification (germline): Uncertain significance. Review status: criteria provided, multiple submitters, no conflicts (2 of 4 stars). 2 submissions from 2 submitters: Uncertain significance (2). Last evaluated 2025-10-30.

Conditions:
Inborn genetic diseases. Identifiers: MedGen C0950123, MeSH D030342.

Allele frequency attached by ClinVar (database versions not stated): gnomAD exomes below 0.00001; ExAC 0.00001.
gnomAD v4.1: 2 of 1,610,164 alleles (0.00012%); highest among the groups gnomAD compares: African/African-American, 0.0013%; no homozygotes.

Submissions (2):

Ambry Genetics
Classification: Uncertain significance for Inborn genetic diseases. Last evaluated: 2025-10-30. Review status: criteria provided, single submitter. Criteria: Ambry Variant Classification Scheme 2023. Collection method: clinical testing. Allele origin: germline.
Comment: The p.A382T variant (also known as c.1144G>A), located in coding exon 1 of the SAMD9 gene, results from a G to A substitution at nucleotide position 1144. The alanine at codon 382 is replaced by threonine, an amino acid with similar properties. This amino acid position is conserved. In addition, this alteration is predicted to be tolerated by in silico analysis. Based on the available evidence, the clinical significance of this variant remains unclear.

Labcorp Genetics (formerly Invitae), Labcorp
Classification: Uncertain significance. Last evaluated: 2021-11-10. Review status: criteria provided, single submitter. Criteria: Invitae Variant Classification Sherloc (09022015). Collection method: clinical testing. Allele origin: germline.
Comment: This sequence change replaces alanine, which is neutral and non-polar, with threonine, which is neutral and polar, at codon 382 of the SAMD9 protein (p.Ala382Thr). In summary, the available evidence is currently insufficient to determine the role of this variant in disease. Therefore, it has been classified as a Variant of Uncertain Significance. Algorithms developed to predict the effect of missense changes on protein structure and function (SIFT, PolyPhen-2, Align-GVGD) all suggest that this variant is likely to be tolerated. This variant has not been reported in the literature in individuals affected with SAMD9-related conditions. This variant is present in population databases (rs757755959, gnomAD 0.003%).

NM_017654.4(SAMD9):c.1144G>A (p.Ala382Thr)

Gene: SAMD9 (sterile alpha motif domain containing 9; minus strand). Cytogenetic location: 7q21.2.
Variant type: single nucleotide variant.
Coding change: c.1144G>A on transcript NM_017654.4 (MANE Select); coding-DNA position 1144, G replaced by A.
Protein change: p.Ala382Thr; replaces alanine 382 with threonine.
Molecular consequence: missense variant.
Genome position (GRCh38, 1-based): chr7:93,104,954, C>T on the plus strand (G>A on the coding strand, the complement: SAMD9 is on the minus strand). VCF-style: chr7-93104954-C-T. GRCh37 (hg19) VCF-style: chr7-92734267-C-T.
Other names: c.1144G>A (NM_017654.3); c.1144G>A, p.Ala382Thr (NM_001193307.2); short protein forms A382T.
Identifiers: ClinVar variation 1474220 (VCV001474220.7), dbSNP rs757755959, ClinGen allele CA4343014.
Genomic context (GRCh38, chr7:93,104,954, plus strand): 5'-GATTTCCTGTCAATAATTTAACCAACTTTGGTCCCTCTCTTTCTTTTTTATTTGTTTTTG[C>T]TCTGAATTTTTCTTCTGCTGCTTTTCTGGACTCTGCCAGTGTTTTAAAATCTGCTTTAAA-3'
Protein context (NP_060124.2, residues 372-392): SRKAAEEKFR[Ala382Thr]KTNKKEREGP